The following is an entry in ClinVar:

NM_139276.3(STAT3):c.983G>T (p.Cys328Phe)

Gene: STAT3 (signal transducer and activator of transcription 3; minus strand). Cytogenetic location: 17q21.2.
Variant type: single nucleotide variant.
Coding change: c.983G>T on transcript NM_139276.3 (MANE Select); coding-DNA position 983, G replaced by T.
Protein change: p.Cys328Phe; replaces cysteine 328 with phenylalanine.
Molecular consequence: missense variant.
Genome position (GRCh38, 1-based): chr17:42,333,739, C>A on the plus strand (G>T on the coding strand, the complement: STAT3 is on the minus strand). VCF-style: chr17-42333739-C-A. GRCh37 (hg19) VCF-style: chr17-40485757-C-A.
Other names: c.983G>T, p.Cys328Phe (NM_001369512.1, NM_001369513.1, NM_001369514.1 and 15 more transcripts); c.905G>T, p.Cys302Phe (NM_001384985.1); c.887G>T, p.Cys296Phe (NM_001384989.1); short protein forms C296F, C302F, C328F.
Identifiers: ClinVar variation 2499913 (VCV002499913.1), dbSNP rs2144828177, ClinGen allele CA399590737.

ClinVar aggregate classification (germline): Uncertain significance (1 of 4 stars; one submission).

Submission:

GeneDx
Classification: Uncertain significance. Last evaluated: 2022-10-19. Review status: criteria provided, single submitter. Criteria: GeneDx Variant Classification Process June 2021. Collection method: clinical testing. Allele origin: germline. Affected: yes.
Comment: Not observed at significant frequency in large population cohorts (gnomAD); In silico analysis supports that this missense variant has a deleterious effect on protein structure/function; Has not been previously published as pathogenic or benign to our knowledge; This variant is associated with the following publications: (PMID: 18602572)